The following is an entry in ClinVar:

NM_001370595.2(COA8):c.476+4G>C

Gene: COA8 (cytochrome c oxidase assembly factor 8; plus strand). Cytogenetic location: 14q32.33.
Variant type: single nucleotide variant.
Coding change: c.476+4G>C on transcript NM_001370595.2 (MANE Select); 4 bases into the intron after coding-DNA position 476, G replaced by C.
Molecular consequence: intron variant.
Genome position (GRCh38, 1-based): chr14:103,587,368, G>C. VCF-style: chr14-103587368-G-C. GRCh37 (hg19) VCF-style: chr14-104053705-G-C.
Other names: c.*30+4G>C (NM_001302653.2).
Identifiers: ClinVar variation 2079730 (VCV002079730.4), dbSNP rs2507518756, ClinGen allele CA2580088461.

ClinVar aggregate classification (germline): Uncertain significance (1 of 4 stars; one submission).

Submission:

Labcorp Genetics (formerly Invitae), Labcorp
Classification: Uncertain significance. Last evaluated: 2022-01-11. Review status: criteria provided, single submitter. Criteria: Invitae Variant Classification Sherloc (09022015). Collection method: clinical testing. Allele origin: germline.
Comment: This variant is not present in population databases (gnomAD no frequency). In summary, the available evidence is currently insufficient to determine the role of this variant in disease. Therefore, it has been classified as a Variant of Uncertain Significance. Variants that disrupt the consensus splice site are a relatively common cause of aberrant splicing (PMID: 17576681, 9536098). Algorithms developed to predict the effect of sequence changes on RNA splicing suggest that this variant is not likely to affect RNA splicing. This variant has not been reported in the literature in individuals affected with APOPT1-related conditions. This sequence change falls in intron 4 of the APOPT1 gene. It does not directly change the encoded amino acid sequence of the APOPT1 protein. It affects a nucleotide within the consensus splice site.

Literature cited by the submitters: PubMed 17576681; PubMed 9536098.